The following is an entry in ClinVar:

ClinVar aggregate classification (germline): Likely benign. Review status: criteria provided, multiple submitters, no conflicts (2 of 4 stars). 2 submissions from 2 submitters: Likely benign (2). Last evaluated 2024-03-01.

Allele frequency attached by ClinVar (database versions not stated): gnomAD exomes 0.00001 and 0.00002.
gnomAD v4.1: 25 of 1,613,778 alleles (0.0015%); highest among the groups gnomAD compares: Non-Finnish European, 0.0018%; no homozygotes.

Submissions (2):

CeGaT Center for Human Genetics Tuebingen
Classification: Likely benign. Last evaluated: 2024-03-01. Review status: criteria provided, single submitter. Criteria: CeGaT Center For Human Genetics Tuebingen Variant Classification Criteria Version 2. Collection method: clinical testing. Allele origin: germline. Affected: yes. Observed: 1 variant allele.
Comment: KARS1: BP4, BP7

Labcorp Genetics (formerly Invitae), Labcorp
Classification: Likely benign. Last evaluated: 2023-09-19. Review status: criteria provided, single submitter. Criteria: Invitae Variant Classification Sherloc (09022015). Collection method: clinical testing. Allele origin: germline.

NM_005548.3(KARS1):c.321C>T (p.Asp107=)

Gene: KARS1 (lysyl-tRNA synthetase 1; minus strand). Cytogenetic location: 16q23.1.
Variant type: single nucleotide variant.
Coding change: c.321C>T on transcript NM_005548.3 (MANE Select); coding-DNA position 321, C replaced by T.
Protein change: p.Asp107=; no amino-acid change (aspartic acid 107 retained).
Molecular consequence: synonymous variant. On other transcripts: 5 prime UTR variant (1).
Genome position (GRCh38, 1-based): chr16:75,640,251, G>A on the plus strand (C>T on the coding strand, the complement: KARS1 is on the minus strand). VCF-style: chr16-75640251-G-A. GRCh37 (hg19) VCF-style: chr16-75674149-G-A.
Other names: c.405C>T, p.Asp135= (NM_001130089.2); c.-148C>T (NM_001378148.1).
Identifiers: ClinVar variation 1682449 (VCV001682449.29), dbSNP rs993989586, ClinGen allele CA284324164.